The following is an entry in ClinVar:

ClinVar aggregate classification (germline): Uncertain significance (1 of 4 stars; one submission).

Conditions:
Very long chain acyl-CoA dehydrogenase deficiency (ACADVLD). Also called: VLCAD Deficiency; Very Long-Chain Acyl-Coenzyme A Dehydrogenase Deficiency. Identifiers: Orphanet 26793, MedGen C3887523, MONDO:0008723, OMIM 201475.

Allele frequency attached by ClinVar (database versions not stated): TOPMed below 0.00001; ExAC 0.00001; ESP Exome Variant Server 0.00008.
gnomAD v4.1: 1 of 1,614,108 alleles (0.000062%); highest among the groups gnomAD compares: Non-Finnish European, 0.000085%; no homozygotes.

Submission:

ARUP Laboratories, Molecular Genetics and Genomics, ARUP Laboratories
Classification: Uncertain significance for Very long chain acyl-CoA dehydrogenase deficiency. Last evaluated: 2020-04-04. Review status: criteria provided, single submitter. Criteria: ARUP Molecular Germline Variant Investigation Process. Collection method: clinical testing. Allele origin: germline.
Comment: The ACADVL c.747G>C;p.Trp249Cys variant (rs141167669), to our knowledge, is not reported in the medical literature or gene specific databases. The variant is reported in the ClinVar database (Variation ID: 439358) and is listed in the general population with an allele frequency of 0.0116% (1/6502 alleles) in the Exome Variant Server. The tryptophan at codon 249 is highly computational analyses (SIFT, PolyPhen-2) predict that this variant is deleterious. Due to limited information, the clinical significance of the p.Trp249Cys variant is uncertain at this time.

NM_000018.4(ACADVL):c.747G>C (p.Trp249Cys)

Gene: ACADVL (acyl-CoA dehydrogenase very long chain; plus strand). Cytogenetic location: 17p13.1.
Variant type: single nucleotide variant.
Coding change: c.747G>C on transcript NM_000018.4 (MANE Select); coding-DNA position 747, G replaced by C.
Protein change: p.Trp249Cys; replaces tryptophan 249 with cysteine.
Molecular consequence: missense variant.
Genome position (GRCh38, 1-based): chr17:7,222,076, G>C. VCF-style: chr17-7222076-G-C. GRCh37 (hg19) VCF-style: chr17-7125395-G-C.
Other names: c.681G>C, p.Trp227Cys (NM_001033859.3); c.816G>C, p.Trp272Cys (NM_001270447.2); c.519G>C, p.Trp173Cys (NM_001270448.2); short protein forms W173C, W249C, W272C, W227C.
Identifiers: ClinVar variation 439358 (VCV000439358.9), dbSNP rs141167669, ClinGen allele CA8337823.
Genomic context (GRCh38, chr17:7,222,076, plus strand): 5'-AACCTCTGCTGTGCCCAGCCCCTGTGGAAAATACTATACCCTCAATGGAAGCAAGCTTTG[G>C]ATCAGGCAACCTGCCTCCCATTTCTCCCCTTCTCCTCCGCCCAATTCCAGGCCCCACTGC-3'
Protein context (NP_000009.1, residues 239-259): KYYTLNGSKL[Trp249Cys]ISNGGLADIF